The following is an entry in ClinVar:

ClinVar aggregate classification (germline): Uncertain significance (1 of 4 stars; one submission).

Submission:

Labcorp Genetics (formerly Invitae), Labcorp
Classification: Uncertain significance. Last evaluated: 2024-05-29. Review status: criteria provided, single submitter. Criteria: Invitae Variant Classification Sherloc (09022015). Collection method: clinical testing. Allele origin: germline.
Comment: This sequence change replaces threonine, which is neutral and polar, with alanine, which is neutral and non-polar, at codon 162 of the WNK4 protein (p.Thr162Ala). This variant is not present in population databases (gnomAD no frequency). This variant has not been reported in the literature in individuals affected with WNK4-related conditions. Advanced modeling of protein sequence and biophysical properties (such as structural, functional, and spatial information, amino acid conservation, physicochemical variation, residue mobility, and thermodynamic stability) performed at Invitae indicates that this missense variant is not expected to disrupt WNK4 protein function with a negative predictive value of 95%. In summary, the available evidence is currently insufficient to determine the role of this variant in disease. Therefore, it has been classified as a Variant of Uncertain Significance.

NM_032387.5(WNK4):c.484A>G (p.Thr162Ala)

Gene: WNK4 (WNK lysine deficient protein kinase 4; plus strand). Cytogenetic location: 17q21.2.
Variant type: single nucleotide variant.
Coding change: c.484A>G on transcript NM_032387.5 (MANE Select); coding-DNA position 484, A replaced by G.
Protein change: p.Thr162Ala; replaces threonine 162 with alanine.
Molecular consequence: missense variant. On other transcripts: 5 prime UTR variant (1).
Genome position (GRCh38, 1-based): chr17:42,781,182, A>G. VCF-style: chr17-42781182-A-G. GRCh37 (hg19) VCF-style: chr17-40933200-A-G.
Other names: c.-436A>G (NM_001321299.2); short protein forms T162A.
Identifiers: ClinVar variation 3634626 (VCV003634626.2).